The following is an entry in ClinVar:

NM_000075.4(CDK4):c.135_143del (p.Gly46_Gly48del)

Genes: CDK4 (cyclin dependent kinase 4; minus strand), LOC130008148 (ATAC-STARR-seq lymphoblastoid silent region 4588; plus strand). Cytogenetic location: 12q14.1.
Variant type: Deletion.
Coding change: c.135_143del on transcript NM_000075.4 (MANE Select); coding-DNA positions 135 to 143, 9 bases deleted (TGGAGGAGG; older notation c.135_143delTGGAGGAGG).
Protein change: p.Gly46_Gly48del.
Molecular consequence: inframe deletion.
Genome position (GRCh38, 1-based): chr12:57,751,575-57,751,583, CCTCCTCCA deleted on the plus strand (TGGAGGAGG on the coding strand, the reverse complement: CDK4 is on the minus strand); deleting any 9 consecutive bases within chr12:57,751,575-57,751,591 gives the same sequence; the c. name uses the placement nearest the transcript's 3' end. VCF-style (leftmost placement, unchanged base first): chr12-57751574-GCCTCCTCCA-G. GRCh37 (hg19) VCF-style: chr12-58145357-GCCTCCTCCA-G.
Identifiers: ClinVar variation 818929 (VCV000818929.4), dbSNP rs1595111045, ClinGen allele CA915948430.
Genomic context (GRCh38, chr12:57,751,574, plus strand): 5'-ATGCTCAAAAGCCTCCAGTCGCCTCAGTAAAGCCACCTCACGAACTGTGCTGATGGGAAG[GCCTCCTCCA>G]CCTCCTCCTCCATTGGGGACTCTCACACTCTTGAGGGCCACAAAGTGGCCACTGTGGGGA-3'

ClinVar aggregate classification (germline): Uncertain significance (1 of 4 stars; one submission).

Conditions:
Hereditary cancer-predisposing syndrome. Also called: Tumor predisposition; Hereditary neoplastic syndrome; Neoplastic Syndromes, Hereditary; Hereditary Cancer Syndrome. Identifiers: Orphanet 140162, MedGen C0027672, MeSH D009386, MONDO:0015356.

Submission:

Ambry Genetics
Classification: Uncertain significance for Hereditary cancer-predisposing syndrome. Last evaluated: 2019-11-13. Review status: criteria provided, single submitter. Criteria: Ambry Variant Classification Scheme 2023. Collection method: clinical testing. Allele origin: germline.
Comment: The c.135_143delTGGAGGAGG variant (also known as p.G46_G48del) is located in coding exon 1 of the CDK4 gene. This variant results from an in-frame TGGAGGAGG deletion at nucleotide positions 135 to 143. This results in the in-frame deletion of three glycine residues at codons 46 to 48. This amino acid region is well conserved in available vertebrate species. In addition, this alteration is predicted to be neutral by in silico analysis (Choi Y et al. PLoS ONE. 2012; 7(10):e46688). Since supporting evidence is limited at this time, the clinical significance of this alteration remains unclear.